The following is an entry in ClinVar:

GRCh37/hg19 7p21.1-15.3(chr7:18603745-21437047)x1

Genes: ABCB5 (ATP binding cassette subfamily B member 5; plus strand), FERD3L (Fer3 like bHLH transcription factor; minus strand), HDAC9 (histone deacetylase 9; plus strand), ITGB8 (integrin subunit beta 8; plus strand), MACC1 (MET transcriptional regulator MACC1; minus strand) and 4 more. Cytogenetic location: 7p21.1-15.3.
Variant type: copy number loss.
Change: copy number 1 (one copy instead of two) of chr7:18,603,745-21,437,047 (2.83 Mb, GRCh37 coordinates, 1-based), cytogenetic band 7p21.1-15.3.
Identifiers: ClinVar variation 2685237 (VCV002685237.1).

ClinVar aggregate classification (germline): Pathogenic (1 of 4 stars; one submission).

Submission:

Quest Diagnostics Nichols Institute San Juan Capistrano
Classification: Pathogenic. Last evaluated: 2023-03-31. Review status: criteria provided, single submitter. Criteria: ACMG/ClinGen CNV Guidelines, 2019. Collection method: clinical testing. Allele origin: unknown.
Comment: This copy number loss involves multiple genes, including TWIST1 (OMIM 601622). Deletions, nonsense, and missense variants of TWIST1 have been associated with autosomal dominant Saethre-Chotzen syndrome with or without eyelid anomalies (OMIM 101400), autosomal dominant Robinow-Sorauf syndrome (OMIM 180750), autosomal dominant Sweeney-Cox syndrome (OMIM 617746), and autosomal dominant isolated craniosynostosis-1 (OMIM 123100). See GeneReviews article for further information and references on Saethre-Chotzen syndrome (available from an online resource).